The following is an entry in ClinVar:

ClinVar aggregate classification (germline): Benign. Review status: criteria provided, multiple submitters, no conflicts (2 of 4 stars). 4 submissions from 4 submitters: Benign (3). 1 of the submissions does not count toward it. Last evaluated 2025-06-03.

Conditions:
AHDC1-related disorder. Also called: AHDC1-related condition.

Allele frequency attached by ClinVar (database versions not stated): gnomAD 0.00002 and 0.00005; 1000 Genomes Project 30x 0.00016; 1000 Genomes Project 0.00020; gnomAD exomes 0.00022; ExAC 0.00025.
gnomAD v4.1: 173 of 1,613,408 alleles (0.011%); highest among the groups gnomAD compares: South Asian, 0.11%; 2 homozygotes.

Submissions (4):

Labcorp Genetics (formerly Invitae), Labcorp
Classification: Benign. Last evaluated: 2025-06-03. Review status: criteria provided, single submitter. Criteria: Invitae Variant Classification Sherloc (09022015). Collection method: clinical testing. Allele origin: germline.

CeGaT Center for Human Genetics Tuebingen
Classification: Benign. Last evaluated: 2022-03-01. Review status: criteria provided, single submitter. Criteria: CeGaT Center For Human Genetics Tuebingen Variant Classification Criteria Version 2. Collection method: clinical testing. Allele origin: germline. Affected: yes. Observed: 1 variant allele.
Comment: AHDC1: BS1, BS2

GeneDx
Classification: Benign. Last evaluated: 2020-12-03. Review status: criteria provided, single submitter. Criteria: GeneDx Variant Classification Process June 2021. Collection method: clinical testing. Allele origin: germline. Affected: yes.

PreventionGenetics, part of Exact Sciences
Classification: Likely benign for AHDC1-related condition. Last evaluated: 2024-08-28. Review status: no assertion criteria provided. Collection method: clinical testing. Allele origin: germline. Not counted in ClinVar's aggregate classification.
Comment: This variant is classified as likely benign based on ACMG/AMP sequence variant interpretation guidelines (Richards et al. 2015 PMID: 25741868, with internal and published modifications).

NM_001371928.1(AHDC1):c.3450G>A (p.Pro1150=)

Gene: AHDC1 (AT-hook DNA binding motif containing 1; minus strand). Cytogenetic location: 1p36.11.
Variant type: single nucleotide variant.
Coding change: c.3450G>A on transcript NM_001371928.1 (MANE Select); coding-DNA position 3450, G replaced by A.
Protein change: p.Pro1150=; no amino-acid change (proline 1150 retained).
Molecular consequence: synonymous variant.
Genome position (GRCh38, 1-based): chr1:27,548,666, C>T on the plus strand (G>A on the coding strand, the complement: AHDC1 is on the minus strand). VCF-style: chr1-27548666-C-T. GRCh37 (hg19) VCF-style: chr1-27875177-C-T.
Other names: c.3450G>A, p.Pro1150= (NM_001029882.3).
Identifiers: ClinVar variation 1243008 (VCV001243008.30), dbSNP rs569896242, ClinGen allele CA715557.
Genomic context (GRCh38, chr1:27,548,666, plus strand): 5'-GCTGTCGGAGGATGACTCAGAGAAGGTCTCCGACACAGCCGTCTGCTGCTTCACCTTCTG[C>T]GGTGTGTAGTTGGAGATGTCCAGGATCACGTTGGGCTCGCTGACGTGGCAGTCAAAACTG-3'
Protein context (NP_001358857.1, residues 1140-1160): NVILDISNYT[Pro1150=]QKVKQQTAVS